The following is an entry in ClinVar:

NM_001018115.3(FANCD2):c.1306C>A (p.Leu436Met)

Genes: FANCD2 (FA complementation group D2; plus strand), LOC107303338 (3p25 FANCD2 Alu-mediated recombination region; plus strand). Cytogenetic location: 3p25.3.
Variant type: single nucleotide variant.
Coding change: c.1306C>A on transcript NM_001018115.3 (MANE Select); coding-DNA position 1306, C replaced by A.
Protein change: p.Leu436Met; replaces leucine 436 with methionine.
Molecular consequence: missense variant.
Genome position (GRCh38, 1-based): chr3:10,047,944, C>A. VCF-style: chr3-10047944-C-A. GRCh37 (hg19) VCF-style: chr3-10089628-C-A.
Other names: c.1306C>A, p.Leu436Met (NM_001319984.2, NM_001374253.1, NM_001374254.1 and 1 more transcripts); short protein forms L436M.
Identifiers: ClinVar variation 835119 (VCV000835119.10), dbSNP rs373898927, ClinGen allele CA2249601.

ClinVar aggregate classification (germline): Uncertain significance. Review status: criteria provided, multiple submitters, no conflicts (2 of 4 stars). 2 submissions from 2 submitters: Uncertain significance (2). Last evaluated 2021-09-11.

Conditions:
Fanconi anemia (FA). Also called: Fanconi's anemia. Identifiers: Orphanet 84, MedGen C0015625, MeSH D005199, MONDO:0019391.
Fanconi anemia complementation group D2. Also called: FANCONI PANCYTOPENIA, TYPE 4; FANCONI ANEMIA, COMPLEMENTATION GROUP D; FANCD2-Related Fanconi Anemia. Identifiers: Orphanet 84, MedGen C3160738, MONDO:0009214, OMIM 227646.

Allele frequency attached by ClinVar (database versions not stated): gnomAD exomes 0.00002; gnomAD 0.00004; ESP Exome Variant Server 0.00008.
gnomAD v4.1: 34 of 1,613,284 alleles (0.0021%); highest among the groups gnomAD compares: East Asian, 0.0067%; no homozygotes.

Submissions (2):

Fulgent Genetics
Classification: Uncertain significance for Fanconi anemia complementation group D2. Last evaluated: 2021-09-11. Review status: criteria provided, single submitter. Criteria: ACMG Guidelines, 2015. Collection method: clinical testing. Allele origin: unknown.

Labcorp Genetics (formerly Invitae), Labcorp
Classification: Uncertain significance for Fanconi anemia. Last evaluated: 2019-12-03. Review status: criteria provided, single submitter. Criteria: Invitae Variant Classification Sherloc (09022015). Collection method: clinical testing. Allele origin: germline.
Comment: This variant has not been reported in the literature in individuals with FANCD2-related conditions. This sequence change replaces leucine with methionine at codon 436 of the FANCD2 protein (p.Leu436Met). The leucine residue is moderately conserved and there is a small physicochemical difference between leucine and methionine. The frequency data for this variant in the population databases is considered unreliable, as metrics indicate poor data quality at this position in the ExAC database. Algorithms developed to predict the effect of missense changes on protein structure and function are either unavailable or do not agree on the potential impact of this missense change (SIFT: "Tolerated"; PolyPhen-2: "Probably Damaging"; Align-GVGD: "Class C0"). In summary, the available evidence is currently insufficient to determine the role of this variant in disease. Therefore, it has been classified as a Variant of Uncertain Significance.